The following is an entry in ClinVar:

NM_002439.5(MSH3):c.1385A>C (p.Tyr462Ser)

Gene: MSH3 (mutS homolog 3; plus strand). Cytogenetic location: 5q14.1.
Variant type: single nucleotide variant.
Coding change: c.1385A>C on transcript NM_002439.5 (MANE Select); coding-DNA position 1385, A replaced by C.
Protein change: p.Tyr462Ser; replaces tyrosine 462 with serine.
Molecular consequence: missense variant.
Genome position (GRCh38, 1-based): chr5:80,725,497, A>C. VCF-style: chr5-80725497-A-C. GRCh37 (hg19) VCF-style: chr5-80021316-A-C.
Other names: short protein forms Y462S.
Identifiers: ClinVar variation 2738303 (VCV002738303.3), dbSNP rs2546752995, ClinGen allele CA360273454.

ClinVar aggregate classification (germline): Uncertain significance (1 of 4 stars; one submission).

Allele frequency attached by ClinVar (database versions not stated): gnomAD exomes below 0.00001.
gnomAD v4.1: 1 of 1,613,978 alleles (0.000062%); highest among the groups gnomAD compares: South Asian, 0.0011%; no homozygotes.

Submission:

Labcorp Genetics (formerly Invitae), Labcorp
Classification: Uncertain significance. Last evaluated: 2023-07-07. Review status: criteria provided, single submitter. Criteria: Invitae Variant Classification Sherloc (09022015). Collection method: clinical testing. Allele origin: germline.
Comment: This variant is not present in population databases (gnomAD no frequency). This sequence change replaces tyrosine, which is neutral and polar, with serine, which is neutral and polar, at codon 462 of the MSH3 protein (p.Tyr462Ser). This variant has not been reported in the literature in individuals affected with MSH3-related conditions. In summary, the available evidence is currently insufficient to determine the role of this variant in disease. Therefore, it has been classified as a Variant of Uncertain Significance. An algorithm developed to predict the effect of missense changes on protein structure and function (PolyPhen-2) suggests that this variant is likely to be tolerated.